The following is an entry in ClinVar:

ClinVar aggregate classification (germline): Pathogenic/Likely pathogenic. Review status: criteria provided, multiple submitters, no conflicts (2 of 4 stars). 2 submissions from 2 submitters: Pathogenic (1); Likely pathogenic (1). Last evaluated 2023-11-10.

Conditions:
Hereditary breast ovarian cancer syndrome. Also called: Hereditary breast and ovarian cancer; Hereditary breast and ovarian cancer syndrome; Breast and ovarian cancer; BRCA1- and BRCA2-Associated Hereditary Breast and Ovarian Cancer; Hereditary breast and ovarian cancer syndrome (HBOC); Hereditary breast and/or ovarian cancer syndrome. Identifiers: Orphanet 145, MedGen C0677776, MeSH D061325, MONDO:0003582. Disease mechanism: loss of function.

Submissions (2):

Quest Diagnostics Nichols Institute San Juan Capistrano
Classification: Likely pathogenic. Last evaluated: 2023-11-10. Review status: criteria provided, single submitter. Criteria: Quest Diagnostics criteria. Collection method: clinical testing. Allele origin: unknown.
Comment: The BRCA1 c.2486_2487dup (p.Lys830Leufs*17) variant alters the translational reading frame of the BRCA1 mRNA and is predicted to cause the premature termination of BRCA1 protein synthesis. This variant has not been reported in individuals with BRCA1-related conditions in the published literature. This variant has not been reported in large, multi-ethnic general populations (Genome Aggregation Database). Based on the available information, this variant is classified as likely pathogenic.

Labcorp Genetics (formerly Invitae), Labcorp
Classification: Pathogenic for Hereditary breast ovarian cancer syndrome. Last evaluated: 2023-08-10. Review status: criteria provided, single submitter. Criteria: Invitae Variant Classification Sherloc (09022015). Collection method: clinical testing. Allele origin: germline.
Comment: For these reasons, this variant has been classified as Pathogenic. This variant has not been reported in the literature in individuals affected with BRCA1-related conditions. This variant is not present in population databases (gnomAD no frequency). This sequence change creates a premature translational stop signal (p.Lys830Leufs*17) in the BRCA1 gene. It is expected to result in an absent or disrupted protein product. Loss-of-function variants in BRCA1 are known to be pathogenic (PMID: 20104584).

Literature cited by the submitters: PubMed 20104584 (cited by Labcorp Genetics (formerly Invitae), Labcorp).

NM_007294.4(BRCA1):c.2486_2487dup (p.Lys830fs)

Gene: BRCA1 (BRCA1 DNA repair associated; minus strand). Cytogenetic location: 17q21.31.
Variant type: Duplication.
Coding change: c.2486_2487dup on transcript NM_007294.4 (MANE Select); coding-DNA positions 2486 to 2487, 2 bases duplicated (TT; older notation c.2486_2487dupTT).
Protein change: p.Lys830fs; shifts the reading frame from lysine 830.
Molecular consequence: frameshift variant. On other transcripts: intron variant (137).
Genome position (GRCh38, 1-based): chr17:43,093,044-43,093,045, AA duplicated on the plus strand (TT on the coding strand, the reverse complement: BRCA1 is on the minus strand); duplicating any 2 consecutive bases within chr17:43,093,044-43,093,046 gives the same sequence; the c. name uses the placement nearest the transcript's 3' end. VCF-style (leftmost placement, unchanged base first): chr17-43093043-T-TAA. GRCh37 (hg19) VCF-style: chr17-41245060-T-TAA.
Other names: c.2483_2484dup, p.Lys829fs (NM_001407632.1, NM_001407633.1, NM_001407634.1 and 22 more transcripts); c.2486_2487dup, p.Lys830fs (NM_001407640.1, NM_001407641.1, NM_001407642.1 and 30 more transcripts); c.2477_2478dup, p.Lys827fs (NM_001407646.1, NM_001407647.1); c.2219_2220dup, p.Lys741fs (NM_001407936.1, NM_001407930.1, NM_001407931.1 and 2 more transcripts); c.2363_2364dup, p.Lys789fs (NM_001407937.1, NM_001407938.1, NM_001407939.1 and 19 more transcripts); c.2360_2361dup, p.Lys788fs (NM_001407940.1, NM_001407941.1, NM_001407649.1 and 11 more transcripts); c.2345_2346dup, p.Lys783fs (NM_001407942.1, NM_001407944.1, NM_001407945.1 and 29 more transcripts); c.2342_2343dup, p.Lys782fs (NM_001407943.1, NM_001407964.1, NM_001407740.1 and 20 more transcripts); and 42 more; short protein forms K534fs, K662fs, K719fs, K759fs, K760fs, K763fs, K803fs, K804fs.
Identifiers: ClinVar variation 2751478 (VCV002751478.4), dbSNP rs80357658, ClinGen allele CA2697559894.
Genomic context (GRCh38, chr17:43,093,043, plus strand): 5'-TTTCTTCCATTTCTATGCTTGTTTCCCGACTGTGGTTAACTTCATGTCCCAATGGATACT[T>TAA]AAAGCCTTCTGTGTCATTTCTATTATCTTTGGAACAACCATGAATTAGTCCCTTGGGGTT-3'